The following is an entry in ClinVar:

ClinVar aggregate classification (germline): Uncertain significance. Review status: criteria provided, multiple submitters, no conflicts (2 of 4 stars). 2 submissions from 2 submitters: Uncertain significance (2). Last evaluated 2023-11-13.

Conditions:
Deficiency of acetyl-CoA acetyltransferase. Also called: Beta-ketothiolase deficiency; 3-KETOTHIOLASE DEFICIENCY; 3-OXOTHIOLASE DEFICIENCY; MITOCHONDRIAL ACETOACETYL-CoA THIOLASE DEFICIENCY. Identifiers: Orphanet 134, MedGen C1536500, MONDO:0008760, OMIM 203750. Disease mechanism: loss of function.

Allele frequency attached by ClinVar (database versions not stated): ExAC 0.00002; gnomAD exomes 0.00002; TOPMed 0.00002; gnomAD 0.00003.
gnomAD v4.1: 16 of 1,614,040 alleles (0.00099%); highest among the groups gnomAD compares: Non-Finnish European, 0.0014%; no homozygotes.

Submissions (2):

Labcorp Genetics (formerly Invitae), Labcorp
Classification: Uncertain significance for Deficiency of acetyl-CoA acetyltransferase. Last evaluated: 2023-11-13. Review status: criteria provided, single submitter. Criteria: Invitae Variant Classification Sherloc (09022015). Collection method: clinical testing. Allele origin: germline.
Comment: This sequence change replaces threonine, which is neutral and polar, with alanine, which is neutral and non-polar, at codon 241 of the ACAT1 protein (p.Thr241Ala). This variant is present in population databases (rs752592672, gnomAD 0.004%). This variant has not been reported in the literature in individuals affected with ACAT1-related conditions. ClinVar contains an entry for this variant (Variation ID: 878578). Algorithms developed to predict the effect of missense changes on protein structure and function output the following: SIFT: "Not Available"; PolyPhen-2: "Benign"; Align-GVGD: "Not Available". The alanine amino acid residue is found in multiple mammalian species, which suggests that this missense change does not adversely affect protein function. In summary, the available evidence is currently insufficient to determine the role of this variant in disease. Therefore, it has been classified as a Variant of Uncertain Significance.

Illumina Laboratory Services, Illumina
Classification: Uncertain significance for Deficiency of acetyl-CoA acetyltransferase. Last evaluated: 2018-01-12. Review status: criteria provided, single submitter. Criteria: ICSL Variant Classification Criteria 13 December 2019. Collection method: clinical testing. Allele origin: germline.

NM_000019.4(ACAT1):c.721A>G (p.Thr241Ala)

Gene: ACAT1 (acetyl-CoA acetyltransferase 1; plus strand). Cytogenetic location: 11q22.3.
Variant type: single nucleotide variant.
Coding change: c.721A>G on transcript NM_000019.4 (MANE Select); coding-DNA position 721, A replaced by G.
Protein change: p.Thr241Ala; replaces threonine 241 with alanine.
Molecular consequence: missense variant.
Genome position (GRCh38, 1-based): chr11:108,140,206, A>G. VCF-style: chr11-108140206-A-G. GRCh37 (hg19) VCF-style: chr11-108010933-A-G.
Other names: short protein forms T241A.
Identifiers: ClinVar variation 878578 (VCV000878578.7), dbSNP rs752592672, ClinGen allele CA6263188.